The following is an entry in ClinVar:

NM_000702.4(ATP1A2):c.841C>A (p.Pro281Thr)

Gene: ATP1A2 (ATPase Na+/K+ transporting subunit alpha 2; plus strand). Cytogenetic location: 1q23.2.
Variant type: single nucleotide variant.
Coding change: c.841C>A on transcript NM_000702.4 (MANE Select); coding-DNA position 841, C replaced by A.
Protein change: p.Pro281Thr; replaces proline 281 with threonine.
Molecular consequence: missense variant.
Genome position (GRCh38, 1-based): chr1:160,127,644, C>A. VCF-style: chr1-160127644-C-A. GRCh37 (hg19) VCF-style: chr1-160097434-C-A.
Other names: short protein forms P281T.
Identifiers: ClinVar variation 1804126 (VCV001804126.1), dbSNP rs751809252, ClinGen allele CA343237603.
Genomic context (GRCh38, chr1:160,127,644, plus strand): 5'-GACCGGACGGTGATGGGCCGCATAGCTACTCTCGCCTCAGGCCTGGAGGTTGGGCGGACA[C>A]CCATAGCAATGGAGATTGAACACTTCATCCAGCTGATCACAGGGGTCGCTGTATTCCTGG-3'
Protein context (NP_000693.1, residues 271-291): LASGLEVGRT[Pro281Thr]IAMEIEHFIQ

ClinVar aggregate classification (germline): Uncertain significance (1 of 4 stars; one submission).

Conditions:
Alternating hemiplegia of childhood 1 (AHC1). Identifiers: Orphanet 2131, MedGen C3549447, MONDO:0007087, OMIM 104290.

Submission:

Institute of Human Genetics, University of Leipzig Medical Center
Classification: Uncertain significance for Alternating hemiplegia of childhood 1. Last evaluated: 2022-11-15. Review status: criteria provided, single submitter. Criteria: ACMG Guidelines, 2015. Collection method: clinical testing. Allele origin: unknown. Affected: yes.
Comment: _x000D_ Criteria applied: PM1, PM2_SUP, PP3